The following is an entry in ClinVar:

NM_001482.3(GATM):c.1085T>C (p.Val362Ala)

Gene: GATM (glycine amidinotransferase; minus strand). Cytogenetic location: 15q21.1.
Variant type: single nucleotide variant.
Coding change: c.1085T>C on transcript NM_001482.3 (MANE Select); coding-DNA position 1085, T replaced by C.
Protein change: p.Val362Ala; replaces valine 362 with alanine.
Molecular consequence: missense variant.
Genome position (GRCh38, 1-based): chr15:45,363,974, A>G on the plus strand (T>C on the coding strand, the complement: GATM is on the minus strand). VCF-style: chr15-45363974-A-G. GRCh37 (hg19) VCF-style: chr15-45656172-A-G.
Other names: c.698T>C, p.Val233Ala (NM_001321015.2); short protein forms V233A, V362A.
Identifiers: ClinVar variation 651345 (VCV000651345.8), dbSNP rs1479969521, ClinGen allele CA392255878.

ClinVar aggregate classification (germline): Uncertain significance (1 of 4 stars; one submission).

Conditions:
Arginine:glycine amidinotransferase deficiency (CCDS3). Also called: L-Arginine:Glycine Amidinotransferase Deficiency; L-Arginine:Glycine Amidinotransferase (AGAT) Deficiency; AGAT deficiency; Creatine deficiency syndrome due to AGAT deficiency; GATM deficiency; Cerebral creatine deficiency syndrome 3. Identifiers: Orphanet 35704, MedGen C2675179, MONDO:0012996, OMIM 612718.

Allele frequency attached by ClinVar (database versions not stated): gnomAD exomes below 0.00001; TOPMed below 0.00001; gnomAD 0.00001.
gnomAD v4.1: 1 of 1,613,294 alleles (0.000062%); highest among the groups gnomAD compares: Non-Finnish European, 0.000085%; no homozygotes.

Submission:

Labcorp Genetics (formerly Invitae), Labcorp
Classification: Uncertain significance for Arginine:glycine amidinotransferase deficiency. Last evaluated: 2024-11-11. Review status: criteria provided, single submitter. Criteria: Invitae Variant Classification Sherloc (09022015). Collection method: clinical testing. Allele origin: germline.
Comment: This sequence change replaces valine, which is neutral and non-polar, with alanine, which is neutral and non-polar, at codon 362 of the GATM protein (p.Val362Ala). This variant is present in population databases (no rsID available, gnomAD 0.0009%). This variant has not been reported in the literature in individuals affected with GATM-related conditions. ClinVar contains an entry for this variant (Variation ID: 651345). Invitae Evidence Modeling of protein sequence and biophysical properties (such as structural, functional, and spatial information, amino acid conservation, physicochemical variation, residue mobility, and thermodynamic stability) indicates that this missense variant is expected to disrupt GATM protein function with a positive predictive value of 95%. In summary, the available evidence is currently insufficient to determine the role of this variant in disease. Therefore, it has been classified as a Variant of Uncertain Significance.